The following is an entry in ClinVar:

ClinVar aggregate classification (germline): Uncertain significance. Review status: criteria provided, multiple submitters, no conflicts (2 of 4 stars). 2 submissions from 2 submitters: Uncertain significance (2). Last evaluated 2025-04-21.

Allele frequency attached by ClinVar (database versions not stated): ExAC 0.00001; gnomAD exomes 0.00002; TOPMed 0.00002.
gnomAD v4.1: 10 of 1,614,068 alleles (0.00062%); highest among the groups gnomAD compares: Admixed American, 0.01%; no homozygotes.

Submissions (2):

Labcorp Genetics (formerly Invitae), Labcorp
Classification: Uncertain significance. Last evaluated: 2025-04-21. Review status: criteria provided, single submitter. Criteria: Invitae Variant Classification Sherloc (09022015). Collection method: clinical testing. Allele origin: germline.
Comment: This sequence change replaces alanine, which is neutral and non-polar, with threonine, which is neutral and polar, at codon 635 of the KIAA0556 protein (p.Ala635Thr). This variant is present in population databases (rs773076589, gnomAD 0.01%). This variant has not been reported in the literature in individuals affected with KIAA0556-related conditions. ClinVar contains an entry for this variant (Variation ID: 1682055). An algorithm developed to predict the effect of missense changes on protein structure and function outputs the following: PolyPhen-2: "Benign". The threonine amino acid residue is found in multiple mammalian species, which suggests that this missense change does not adversely affect protein function. In summary, the available evidence is currently insufficient to determine the role of this variant in disease. Therefore, it has been classified as a Variant of Uncertain Significance.

Ambry Genetics
Classification: Uncertain significance. Last evaluated: 2024-08-19. Review status: criteria provided, single submitter. Criteria: Ambry Variant Classification Scheme 2023. Collection method: clinical testing. Allele origin: germline.

NM_015202.5(KATNIP):c.1903G>A (p.Ala635Thr)

Gene: KATNIP (katanin interacting protein; plus strand). Cytogenetic location: 16p12.1.
Variant type: single nucleotide variant.
Coding change: c.1903G>A on transcript NM_015202.5 (MANE Select); coding-DNA position 1903, G replaced by A.
Protein change: p.Ala635Thr; replaces alanine 635 with threonine.
Molecular consequence: missense variant.
Genome position (GRCh38, 1-based): chr16:27,740,200, G>A. VCF-style: chr16-27740200-G-A. GRCh37 (hg19) VCF-style: chr16-27751521-G-A.
Other names: c.1903G>A (NM_015202.2); short protein forms A635T.
Identifiers: ClinVar variation 1682055 (VCV001682055.7), dbSNP rs773076589, ClinGen allele CA7977855.